The following is an entry in ClinVar:

NM_001199107.2(TBC1D24):c.429del (p.Tyr144fs)

Gene: TBC1D24 (TBC1 domain family member 24; plus strand). Cytogenetic location: 16p13.3.
Variant type: Deletion.
Coding change: c.429del on transcript NM_001199107.2 (MANE Select); coding-DNA position 429, one base deleted (C; older notation c.429delC).
Protein change: p.Tyr144fs; shifts the reading frame from tyrosine 144.
Molecular consequence: frameshift variant.
Genome position (GRCh38, 1-based): chr16:2,496,577, C deleted. VCF-style (leftmost placement, unchanged base first): chr16-2496576-AC-A. GRCh37 (hg19) VCF-style: chr16-2546577-AC-A.
Other names: c.429del, p.Tyr144fs (NM_020705.3); short protein forms Y144fs.
Identifiers: ClinVar variation 5019585 (VCV005019585.2).

ClinVar aggregate classification (germline): Pathogenic (1 of 4 stars; one submission).

Conditions:
Developmental and epileptic encephalopathy, 16 (DEE16). Also called: TBC1D24-Related Developmental and Epileptic Encephalopathy (DEE); Early infantile epileptic encephalopathy 16. Identifiers: Orphanet 293181, Orphanet 352596, MedGen C3809173, MONDO:0014133, OMIM 615338.
Familial infantile myoclonic epilepsy (FIME). Also called: TBC1D24-Related Familial Infantile Myoclonic Epilepsy (FIME); Epilepsy, Myoclonic, Infantile. Identifiers: Orphanet 352582, MedGen C0917800, MONDO:0011506, OMIM 605021.
DOORS syndrome (DOORS). Also called: Digitorenocerebral syndrome; DRC SYNDROME; BRACHYDACTYLY DUE TO ABSENCE OF DISTAL PHALANGES; ERONEN SYNDROME; DOORS Syndrome (Deafness, Onychodystrophy, Osteodystrophy, Mental Retardation, and Seizures); DEAFNESS, ONYCHODYSTROPHY, OSTEODYSTROPHY, IMPAIRED INTELLECTUAL DEVELOPMENT, AND SEIZURES SYNDROME. Identifiers: Orphanet 3231, Orphanet 79500, MedGen C0795934, MONDO:0009079, OMIM 220500. Disease mechanism: loss of function.
Rolandic epilepsy-paroxysmal exercise-induced dystonia-writer's cramp syndrome. Also called: RE-PED-WC; TBC1D24-Related Rolandic Epilepsy with Paroxysmal Exercise-Induced Dystonia and Writer's Cramp (EPRPDC). Identifiers: Orphanet 163727, MedGen C1842531, MONDO:0011970, OMIM 608105.
Autosomal dominant nonsyndromic hearing loss 65. Also called: TBC1D24-Related Autosomal Dominant Nonsyndromic Hearing Loss (DFNA); Deafness, autosomal dominant 65. Identifiers: Orphanet 90635, MedGen C3892048, MONDO:0014470, OMIM 616044.
Autosomal recessive nonsyndromic hearing loss 86 (DFNB86). Also called: Deafness , autosomal recessive 86; TBC1D24-Related Autosomal Recessive Nonsyndromic Hearing Loss (DFNB). Identifiers: Orphanet 90636, MedGen C2829265, MONDO:0013826, OMIM 614617.

Submission:

Juno Genomics, Hangzhou Juno Genomics, Inc
Classification: Pathogenic for Autosomal dominant nonsyndromic hearing loss 65; Autosomal recessive nonsyndromic hearing loss 86; Developmental and epileptic encephalopathy, 16; DOORS syndrome; Rolandic epilepsy-paroxysmal exercise-induced dystonia-writer's cramp syndrome; Familial infantile myoclonic epilepsy. Review status: criteria provided, single submitter. Criteria: ACMG Guidelines, 2015. Collection method: clinical testing. Allele origin: germline.
Comment: Absent from controls (or at extremely low frequency if recessive) in Genome Aggregation Database.;Null variant in a gene where loss of function (LOF) is a known mechanism of disease.;Patient's phenotype or family history is highly specific for a disease with a single genetic etiology.